The following is an entry in ClinVar:

NM_000053.4(ATP7B):c.386A>G (p.Lys129Arg)

Gene: ATP7B (ATPase copper transporting beta; minus strand). Cytogenetic location: 13q14.3.
Variant type: single nucleotide variant.
Coding change: c.386A>G on transcript NM_000053.4 (MANE Select); coding-DNA position 386, A replaced by G.
Protein change: p.Lys129Arg; replaces lysine 129 with arginine.
Molecular consequence: missense variant.
Genome position (GRCh38, 1-based): chr13:51,974,834, T>C on the plus strand (A>G on the coding strand, the complement: ATP7B is on the minus strand). VCF-style: chr13-51974834-T-C. GRCh37 (hg19) VCF-style: chr13-52548970-T-C.
Other names: c.386A>G, p.Lys129Arg (NM_001005918.3, NM_001243182.2, NM_001406519.1 and 30 more transcripts); c.290A>G, p.Lys97Arg (NM_001406518.1, NM_001406539.1, NM_001406543.1 and 4 more transcripts); short protein forms K129R, K97R.
Identifiers: ClinVar variation 4759123 (VCV004759123.1).

ClinVar aggregate classification (germline): Uncertain significance (1 of 4 stars; one submission).

Conditions:
Wilson disease (WND). Also called: Wilson's disease. Identifiers: Orphanet 905, MedGen C0019202, MONDO:0010200, OMIM 277900. Disease mechanism: loss of function.

Submission:

Color Diagnostics, LLC DBA Color Health
Classification: Uncertain significance for Wilson disease. Last evaluated: 2025-07-25. Review status: criteria provided, single submitter. Criteria: ACMG Guidelines, 2015. Collection method: clinical testing. Allele origin: germline.
Comment: This missense variant replaces lysine with arginine at codon 129 of the ATP7B protein. Computational prediction suggests that this variant may not impact protein structure and function. To our knowledge, functional studies have not been reported for this variant. This variant has not been reported in individuals affected with ATP7B-related disorders in the literature. This variant has not been identified in the general population by the Genome Aggregation Database (gnomAD). The available evidence is insufficient to determine the role of this variant in disease conclusively. Therefore, this variant is classified as a Variant of Uncertain Significance.